The following is an entry in ClinVar:

NM_005560.6(LAMA5):c.7757-4G>A

Gene: LAMA5 (laminin subunit alpha 5; minus strand). Cytogenetic location: 20q13.33.
Variant type: single nucleotide variant.
Coding change: c.7757-4G>A on transcript NM_005560.6 (MANE Select); 4 bases into the intron before coding-DNA position 7757, G replaced by A.
Molecular consequence: intron variant.
Genome position (GRCh38, 1-based): chr20:62,316,062, C>T on the plus strand (G>A on the coding strand, the complement: LAMA5 is on the minus strand). VCF-style: chr20-62316062-C-T. GRCh37 (hg19) VCF-style: chr20-60891118-C-T.
Other names: c.7757-4G>A (NM_005560.4).
Identifiers: ClinVar variation 1983112 (VCV001983112.6), dbSNP rs368921445, ClinGen allele CA9941035.
Genomic context (GRCh38, chr20:62,316,062, plus strand): 5'-CCTTCTTGGCCCGGACATCTCGGAGCTGGGTCCTGGCACCCTGGAGGGCAGCCCACACTG[C>T]GGGGGAGGCAGCTTCAGCTCCCAGGCAGCTTCACCCCCAGTATACAATTGCAGCCCACCT-3'

ClinVar aggregate classification (germline): Likely benign. Review status: criteria provided, multiple submitters, no conflicts (2 of 4 stars). 3 submissions from 3 submitters: Likely benign (3). Last evaluated 2026-01-13.

Conditions:
LAMA5-related disorder. Also called: LAMA5-related condition; LAMA5-Related Disorders.

Allele frequency attached by ClinVar (database versions not stated): ESP Exome Variant Server 0.00008; 1000 Genomes Project 30x 0.00016; 1000 Genomes Project 0.00020; TOPMed 0.00020; ExAC 0.00021; gnomAD 0.00022.
gnomAD v4.1: 296 of 1,600,500 alleles (0.018%); highest among the groups gnomAD compares: Admixed American, 0.066%; no homozygotes.

Submissions (3):

PreventionGenetics, part of Exact Sciences
Classification: Likely benign for LAMA5-related condition. Last evaluated: 2026-01-13. Review status: criteria provided, single submitter. Criteria: ACMG Guidelines, 2015. Collection method: clinical testing. Allele origin: germline.
Comment: This variant is classified as likely benign based on ACMG/AMP sequence variant interpretation guidelines (Richards et al. 2015 PMID: 25741868, with internal and published modifications).

Blueprint Genetics
Classification: Likely benign. Last evaluated: 2024-10-23. Review status: criteria provided, single submitter. Criteria: ACMG Guidelines, 2015. Collection method: clinical testing. Allele origin: germline.

Labcorp Genetics (formerly Invitae), Labcorp
Classification: Likely benign. Last evaluated: 2022-09-28. Review status: criteria provided, single submitter. Criteria: Invitae Variant Classification Sherloc (09022015). Collection method: clinical testing. Allele origin: germline.